The following is an entry in ClinVar:

ClinVar aggregate classification (germline): Likely benign. Review status: criteria provided, multiple submitters, no conflicts (2 of 4 stars). 2 submissions from 2 submitters: Likely benign (2). Last evaluated 2025-11-25.

Conditions:
Duane-radial ray syndrome (DRRS). Also called: Okihiro Syndrome; ACRORENOOCULAR SYNDROME; Duane-Radial Ray Syndrome/Okihiro Syndrome; Duane-Radial Ray Syndrome (DRRS) / Okihiro Syndrome; DR SYNDROME; DUANE ANOMALY WITH RADIAL RAY ABNORMALITIES AND DEAFNESS. Identifiers: Orphanet 93293, Orphanet 959, MedGen C1623209, MONDO:0011812, OMIM 607323. Disease mechanism: gain of function.

Allele frequency attached by ClinVar (database versions not stated): TOPMed 0.00005.
gnomAD v4.1: 27 of 1,614,014 alleles (0.0017%); highest among the groups gnomAD compares: Middle Eastern, 0.016%; no homozygotes.

Submissions (2):

Labcorp Genetics (formerly Invitae), Labcorp
Classification: Likely benign for Duane-radial ray syndrome. Last evaluated: 2025-11-25. Review status: criteria provided, single submitter. Criteria: Invitae Variant Classification Sherloc (09022015). Collection method: clinical testing. Allele origin: germline.

CeGaT Center for Human Genetics Tuebingen
Classification: Likely benign. Last evaluated: 2025-05-01. Review status: criteria provided, single submitter. Criteria: CeGaT Center For Human Genetics Tuebingen Variant Classification Criteria Version 2. Collection method: clinical testing. Allele origin: germline. Affected: yes. Observed: 1 variant allele.
Comment: SALL4: BP4, BP7

NM_020436.5(SALL4):c.1779G>A (p.Pro593=)

Gene: SALL4 (spalt like transcription factor 4; minus strand). Cytogenetic location: 20q13.2.
Variant type: single nucleotide variant.
Coding change: c.1779G>A on transcript NM_020436.5 (MANE Select); coding-DNA position 1779, G replaced by A.
Protein change: p.Pro593=; no amino-acid change (proline 593 retained).
Molecular consequence: synonymous variant. On other transcripts: intron variant (1).
Genome position (GRCh38, 1-based): chr20:51,790,704, C>T on the plus strand (G>A on the coding strand, the complement: SALL4 is on the minus strand). VCF-style: chr20-51790704-C-T. GRCh37 (hg19) VCF-style: chr20-50407243-C-T.
Other names: c.1150+629G>A (NM_001318031.2).
Identifiers: ClinVar variation 704773 (VCV000704773.14), dbSNP rs147254025, ClinGen allele CA315373307.